The following is an entry in ClinVar:

NM_006073.4(TRDN):c.1222A>G (p.Lys408Glu)

Gene: TRDN (triadin; minus strand). Cytogenetic location: 6q22.31.
Variant type: single nucleotide variant.
Coding change: c.1222A>G on transcript NM_006073.4 (MANE Select); coding-DNA position 1222, A replaced by G.
Protein change: p.Lys408Glu; replaces lysine 408 with glutamic acid.
Molecular consequence: missense variant.
Genome position (GRCh38, 1-based): chr6:123,377,740, T>C on the plus strand (A>G on the coding strand, the complement: TRDN is on the minus strand). VCF-style: chr6-123377740-T-C. GRCh37 (hg19) VCF-style: chr6-123698885-T-C.
Other names: c.1225A>G, p.Lys409Glu (NM_001251987.2); c.1222A>G (NM_006073.2); short protein forms K409E, K408E.
Identifiers: ClinVar variation 1523374 (VCV001523374.7), dbSNP rs771278361, ClinGen allele CA3984054.

ClinVar aggregate classification (germline): Uncertain significance. Review status: criteria provided, multiple submitters, no conflicts (2 of 4 stars). 2 submissions from 2 submitters: Uncertain significance (2). Last evaluated 2026-02-05.

Conditions:
Catecholaminergic polymorphic ventricular tachycardia 1. Also called: RYR2-Related Catecholaminergic Polymorphic Ventricular Tachycardia; VENTRICULAR TACHYCARDIA, CATECHOLAMINERGIC POLYMORPHIC, 1, WITH OR WITHOUT ATRIAL DYSFUNCTION AND/OR DILATED CARDIOMYOPATHY; VENTRICULAR TACHYCARDIA, STRESS-INDUCED POLYMORPHIC 1. Identifiers: Orphanet 3286, MedGen C1631597, MONDO:0011484, OMIM 604772.
Cardiovascular phenotype. Identifiers: MedGen CN230736.

Allele frequency attached by ClinVar (database versions not stated): ExAC 0.00001; gnomAD exomes 0.00001.
gnomAD v4.1: 9 of 1,613,176 alleles (0.00056%); highest among the groups gnomAD compares: South Asian, 0.0099%; no homozygotes.

Submissions (2):

Ambry Genetics
Classification: Uncertain significance for Cardiovascular phenotype. Last evaluated: 2026-02-05. Review status: criteria provided, single submitter. Criteria: Ambry Variant Classification Scheme 2023. Collection method: clinical testing. Allele origin: germline.
Comment: The p.K408E variant (also known as c.1222A>G), located in coding exon 18 of the TRDN gene, results from an A to G substitution at nucleotide position 1222. The lysine at codon 408 is replaced by glutamic acid, an amino acid with similar properties. This amino acid position is highly conserved in available vertebrate species. In addition, this alteration is predicted to be tolerated by in silico analysis. This alteration does not impact the predominant cardiac isoform of TRDN (NM_001256021.1; Kobayashi YM et al. J. Biol. Chem., 1999 Oct;274:28660-8). Based on the available evidence, the clinical significance of this variant remains unclear.

Labcorp Genetics (formerly Invitae), Labcorp
Classification: Uncertain significance for Catecholaminergic polymorphic ventricular tachycardia 1. Last evaluated: 2021-08-28. Review status: criteria provided, single submitter. Criteria: Invitae Variant Classification Sherloc (09022015). Collection method: clinical testing. Allele origin: germline.
Comment: This sequence change replaces lysine with glutamic acid at codon 408 of the TRDN protein (p.Lys408Glu). The lysine residue is moderately conserved and there is a small physicochemical difference between lysine and glutamic acid. This variant is present in population databases (rs771278361, ExAC 0.006%). This variant has not been reported in the literature in individuals affected with TRDN-related conditions. Algorithms developed to predict the effect of missense changes on protein structure and function are either unavailable or do not agree on the potential impact of this missense change (SIFT: "Tolerated"; PolyPhen-2: "Probably Damaging"; Align-GVGD: "Class C0"). Algorithms developed to predict the effect of sequence changes on RNA splicing suggest that this variant may create or strengthen a splice site. In summary, the available evidence is currently insufficient to determine the role of this variant in disease. Therefore, it has been classified as a Variant of Uncertain Significance.